The following is an entry in ClinVar:

ClinVar aggregate classification (germline): Uncertain significance. Review status: criteria provided, multiple submitters, no conflicts (2 of 4 stars). 2 submissions from 2 submitters: Uncertain significance (2). Last evaluated 2024-11-05.

Conditions:
Inborn genetic diseases. Identifiers: MedGen C0950123, MeSH D030342.

gnomAD v4.1: 79 of 1,613,670 alleles (0.0049%); highest among the groups gnomAD compares: Middle Eastern, 0.21%; no homozygotes.

Submissions (2):

Labcorp Genetics (formerly Invitae), Labcorp
Classification: Uncertain significance. Last evaluated: 2024-11-05. Review status: criteria provided, single submitter. Criteria: Invitae Variant Classification Sherloc (09022015). Collection method: clinical testing. Allele origin: germline.
Comment: This sequence change replaces threonine, which is neutral and polar, with isoleucine, which is neutral and non-polar, at codon 779 of the BNC2 protein (p.Thr779Ile). This variant is present in population databases (rs764964039, gnomAD 0.01%). This variant has not been reported in the literature in individuals affected with BNC2-related conditions. An algorithm developed to predict the effect of missense changes on protein structure and function (PolyPhen-2) suggests that this variant is likely to be tolerated. In summary, the available evidence is currently insufficient to determine the role of this variant in disease. Therefore, it has been classified as a Variant of Uncertain Significance.

Ambry Genetics
Classification: Uncertain significance for Inborn genetic diseases. Last evaluated: 2024-08-20. Review status: criteria provided, single submitter. Criteria: Ambry Variant Classification Scheme 2023. Collection method: clinical testing. Allele origin: germline.

NM_017637.6(BNC2):c.2336C>T (p.Thr779Ile)

Genes: BNC2 (basonuclin zinc finger protein 2; minus strand), LOC126860585 (MED14-independent group 3 enhancer GRCh37_chr9:16435259-16436458; plus strand). Cytogenetic location: 9p22.3.
Variant type: single nucleotide variant.
Coding change: c.2336C>T on transcript NM_017637.6 (MANE Select); coding-DNA position 2336, C replaced by T.
Protein change: p.Thr779Ile; replaces threonine 779 with isoleucine.
Molecular consequence: missense variant.
Genome position (GRCh38, 1-based): chr9:16,435,858, G>A on the plus strand (C>T on the coding strand, the complement: BNC2 is on the minus strand). VCF-style: chr9-16435858-G-A. GRCh37 (hg19) VCF-style: chr9-16435856-G-A.
Other names: c.2210C>T, p.Thr737Ile (NM_001317939.2); c.2051C>T, p.Thr684Ile (NM_001317940.2); short protein forms T684I, T737I, T779I.
Identifiers: ClinVar variation 3481418 (VCV003481418.3).